The following is an entry in ClinVar:

ClinVar aggregate classification (germline): Uncertain significance (1 of 4 stars; one submission).

Submission:

Labcorp Genetics (formerly Invitae), Labcorp
Classification: Uncertain significance. Last evaluated: 2021-12-16. Review status: criteria provided, single submitter. Criteria: Invitae Variant Classification Sherloc (09022015). Collection method: clinical testing. Allele origin: germline.
Comment: This sequence change affects a donor splice site in intron 1 of the TRAP1 gene. It is expected to disrupt RNA splicing. Variants that disrupt the donor or acceptor splice site typically lead to a loss of protein function (PMID: 16199547), however the current clinical and genetic evidence is not sufficient to establish whether loss-of-function variants in TRAP1 cause disease. This variant is not present in population databases (gnomAD no frequency). This variant has not been reported in the literature in individuals affected with TRAP1-related conditions. Algorithms developed to predict the effect of sequence changes on RNA splicing suggest that this variant may disrupt the consensus splice site. In summary, the available evidence is currently insufficient to determine the role of this variant in disease. Therefore, it has been classified as a Variant of Uncertain Significance.

Literature cited by the submitters: PubMed 16199547.

NM_016292.3(TRAP1):c.88+1G>A

Genes: TRAP1 (TNF receptor associated protein 1; minus strand), LOC130058352 (ATAC-STARR-seq lymphoblastoid silent region 7139; plus strand). Cytogenetic location: 16p13.3.
Variant type: single nucleotide variant.
Coding change: c.88+1G>A on transcript NM_016292.3 (MANE Select); the canonical splice donor site of the intron after coding-DNA position 88, G replaced by A.
Molecular consequence: splice donor variant.
Genome position (GRCh38, 1-based): chr16:3,717,420, C>T on the plus strand (G>A on the coding strand, the complement: TRAP1 is on the minus strand). VCF-style: chr16-3717420-C-T. GRCh37 (hg19) VCF-style: chr16-3767421-C-T.
Other names: c.88+1G>A (NM_001272049.2).
Identifiers: ClinVar variation 1367995 (VCV001367995.6), dbSNP rs2151289084, ClinGen allele CA394549389.
Genomic context (GRCh38, chr16:3,717,420, plus strand): 5'-ACGTCCCTGCCGTCTCCGTGGCCCGGCCCGCCCGCTGCCCGTCCAGCCAGGACGCCCTCA[C>T]CTCCCGGCACGGCCGCCAGCGCCGGCGCCCGCAGCAAAGGCCGCAGGCGGCGGCCCCACA-3'